The following is an entry in ClinVar:

NM_001854.4(COL11A1):c.1413+6T>C

Gene: COL11A1 (collagen type XI alpha 1 chain; minus strand). Cytogenetic location: 1p21.1.
Variant type: single nucleotide variant.
Coding change: c.1413+6T>C on transcript NM_001854.4 (MANE Select); 6 bases into the intron after coding-DNA position 1413, T replaced by C.
Molecular consequence: intron variant.
Genome position (GRCh38, 1-based): chr1:103,017,814, A>G on the plus strand (T>C on the coding strand, the complement: COL11A1 is on the minus strand). VCF-style: chr1-103017814-A-G. GRCh37 (hg19) VCF-style: chr1-103483370-A-G.
Other names: c.1296+6T>C (NM_001190709.2); c.1449+6T>C (NM_080629.3); c.1065+6T>C (NM_080630.4).
Identifiers: ClinVar variation 1306507 (VCV001306507.8), dbSNP rs1337013861, ClinGen allele CA884756768.

ClinVar aggregate classification (germline): Uncertain significance. Review status: criteria provided, multiple submitters, no conflicts (2 of 4 stars). 2 submissions from 2 submitters: Uncertain significance (2). Last evaluated 2023-09-11.

Allele frequency attached by ClinVar (database versions not stated): TOPMed below 0.00001; gnomAD 0.00001.
gnomAD v4.1: 1 of 1,610,562 alleles (0.000062%); highest among the groups gnomAD compares: African/African-American, 0.0013%; no homozygotes.

Submissions (2):

GeneDx
Classification: Uncertain significance. Last evaluated: 2023-09-11. Review status: criteria provided, single submitter. Criteria: GeneDx Variant Classification Process June 2021. Collection method: clinical testing. Allele origin: germline. Affected: yes.
Comment: Has not been previously published as pathogenic or benign to our knowledge; Not observed at significant frequency in large population cohorts (gnomAD); In silico analysis supports that this variant does not alter splicing

Labcorp Genetics (formerly Invitae), Labcorp
Classification: Uncertain significance. Last evaluated: 2023-07-22. Review status: criteria provided, single submitter. Criteria: Invitae Variant Classification Sherloc (09022015). Collection method: clinical testing. Allele origin: germline.
Comment: This variant has not been reported in the literature in individuals affected with COL11A1-related conditions. ClinVar contains an entry for this variant (Variation ID: 1306507). Variants that disrupt the consensus splice site are a relatively common cause of aberrant splicing (PMID: 17576681, 9536098). Algorithms developed to predict the effect of sequence changes on RNA splicing suggest that this variant is not likely to affect RNA splicing. In summary, the available evidence is currently insufficient to determine the role of this variant in disease. Therefore, it has been classified as a Variant of Uncertain Significance. This variant is not present in population databases (gnomAD no frequency). This sequence change falls in intron 11 of the COL11A1 gene. It does not directly change the encoded amino acid sequence of the COL11A1 protein. It affects a nucleotide within the consensus splice site.

Literature cited by the submitters: PubMed 17576681 (cited by Labcorp Genetics (formerly Invitae), Labcorp); PubMed 9536098 (cited by Labcorp Genetics (formerly Invitae), Labcorp).